The following is an entry in ClinVar:

NM_144670.6(A2ML1):c.3962C>T (p.Pro1321Leu)

Gene: A2ML1 (alpha-2-macroglobulin like 1; plus strand). Cytogenetic location: 12p13.31.
Variant type: single nucleotide variant.
Coding change: c.3962C>T on transcript NM_144670.6 (MANE Select); coding-DNA position 3962, C replaced by T.
Protein change: p.Pro1321Leu; replaces proline 1321 with leucine.
Molecular consequence: missense variant.
Genome position (GRCh38, 1-based): chr12:8,868,258, C>T. VCF-style: chr12-8868258-C-T. GRCh37 (hg19) VCF-style: chr12-9020854-C-T.
Other names: c.2489C>T, p.Pro830Leu (NM_001282424.3); c.3962C>T (NM_144670.3); short protein forms P1321L, P830L.
Identifiers: ClinVar variation 703404 (VCV000703404.19), dbSNP rs190379856, ClinGen allele CA6436538.
Genomic context (GRCh38, chr12:8,868,258, plus strand): 5'-GTCTGATTTGGCTACCTATTTCTTCCTACCAGACGGTGTTGAGATACAATATTCTCCCTC[C>T]CACAAATATGAAGACCTTTAGTCTTAGTGTGGAAATAGGAAAAGCTAGATGTGAGCAACC-3'
Protein context (NP_653271.3, residues 1311-1331): QTVLRYNILP[Pro1321Leu]TNMKTFSLSV

ClinVar aggregate classification (germline): Benign/Likely benign. Review status: criteria provided, multiple submitters, no conflicts (2 of 4 stars). 5 submissions from 5 submitters: Benign (1); Likely benign (3). 1 of the submissions does not count toward it. Last evaluated 2026-01-18.

Conditions:
A2ML1-related disorder. Also called: A2ML1-related condition.

Allele frequency attached by ClinVar (database versions not stated): gnomAD 0.00004 and 0.00006; TOPMed 0.00005; 1000 Genomes Project 30x 0.00047; 1000 Genomes Project 0.00060.
gnomAD v4.1: 31 of 1,613,754 alleles (0.0019%); highest among the groups gnomAD compares: East Asian, 0.067%; no homozygotes.

Submissions (5):

Labcorp Genetics (formerly Invitae), Labcorp
Classification: Likely benign. Last evaluated: 2026-01-18. Review status: criteria provided, single submitter. Criteria: Invitae Variant Classification Sherloc (09022015). Collection method: clinical testing. Allele origin: germline.

Ambry Genetics
Classification: Likely benign. Last evaluated: 2025-02-01. Review status: criteria provided, single submitter. Criteria: Ambry Variant Classification Scheme 2023. Collection method: clinical testing. Allele origin: germline.

Women's Health and Genetics/Laboratory Corporation of America, LabCorp
Classification: Benign. Last evaluated: 2020-07-06. Review status: criteria provided, single submitter. Criteria: LabCorp Variant Classification Summary - May 2015. Collection method: clinical testing. Allele origin: germline.
Comment: Variant summary: A2ML1 c.3962C>T (p.Pro1321Leu) results in a non-conservative amino acid change in the encoded protein sequence. Four of five in-silico tools predict a benign effect of the variant on protein function. The variant allele was found at a frequency of 8e-05 in 248838 control chromosomes, predominantly at a frequency of 0.0011 within the East Asian subpopulation in the gnomAD database. The observed variant frequency within East Asian control individuals in the gnomAD database is approximately 275-fold of the estimated maximal expected allele frequency for a pathogenic variant in A2ML1 causing Noonan Syndrome And Related Conditions phenotype (4e-06), strongly suggesting that the variant is a benign polymorphism found primarily in populations of East Asian origin. To our knowledge, no occurrence of c.3962C>T in individuals affected with Noonan Syndrome And Related Conditions and no experimental evidence demonstrating its impact on protein function have been reported. A ClinVar submitter (evaluation after 2014) cites the variant as likely benign. Based on the evidence outlined above, the variant was classified as benign.

Breakthrough Genomics
Classification: Likely benign. Review status: criteria provided, single submitter. Criteria: ACMG Guidelines, 2015. Collection method: not provided. Allele origin: germline. Inheritance: Autosomal dominant inheritance. Affected: yes.

PreventionGenetics, part of Exact Sciences
Classification: Likely benign for A2ML1-related condition. Last evaluated: 2023-09-05. Review status: no assertion criteria provided. Collection method: clinical testing. Allele origin: germline. Not counted in ClinVar's aggregate classification.
Comment: This variant is classified as likely benign based on ACMG/AMP sequence variant interpretation guidelines (Richards et al. 2015 PMID: 25741868, with internal and published modifications).